The following is an entry in ClinVar:

NM_000218.3(KCNQ1):c.1795G>T (p.Val599Leu)

Genes: KCNQ1 (potassium voltage-gated channel subfamily Q member 1; plus strand), KCNQ1-AS1 (KCNQ1 antisense RNA 1; minus strand). Cytogenetic location: 11p15.4.
Variant type: single nucleotide variant.
Coding change: c.1795G>T on transcript NM_000218.3 (MANE Select); coding-DNA position 1795, G replaced by T.
Protein change: p.Val599Leu; replaces valine 599 with leucine.
Molecular consequence: missense variant.
Genome position (GRCh38, 1-based): chr11:2,847,767, G>T. VCF-style: chr11-2847767-G-T. GRCh37 (hg19) VCF-style: chr11-2868997-G-T.
Other names: c.1699G>T, p.Val567Leu (NM_001406836.1); c.1525G>T, p.Val509Leu (NM_001406837.1); c.1255G>T, p.Val419Leu (NM_001406838.1); c.307G>T, p.Val103Leu (NM_001406839.1); c.1414G>T, p.Val472Leu (NM_181798.2); short protein forms V472L, V599L, V103L, V509L, V567L, V419L.
Identifiers: ClinVar variation 923091 (VCV000923091.6), dbSNP rs1848361040, ClinGen allele CA379140177.

ClinVar aggregate classification (germline): Uncertain significance (1 of 4 stars; one submission).

Conditions:
Cardiac arrhythmia. Also called: Cardiac rhythm disease; Arrhythmia. Identifiers: MedGen C0003811, MONDO:0007263, HP:0011675.

Submission:

Color Diagnostics, LLC DBA Color Health
Classification: Uncertain significance for Cardiac arrhythmia. Last evaluated: 2019-09-27. Review status: criteria provided, single submitter. Criteria: ACMG Guidelines, 2015. Collection method: clinical testing. Allele origin: germline.
Comment: This missense variant replaces valine with leucine at codon 599 of the KCNQ1 protein. Computational prediction is inconclusive regarding the impact of this variant on protein structure and function (internally defined REVEL score threshold 0.5 < inconclusive < 0.7, PMID: 27666373). Splice site prediction tools suggest that this variant may not impact RNA splicing. To our knowledge, functional studies have not been performed for this variant. This variant has not been reported in individuals affected with cardiovascular disorders in the literature. This variant has not been identified in the general population by the Genome Aggregation Database (gnomAD). The available evidence is insufficient to determine the role of this variant in disease conclusively. Therefore, this variant is classified as a Variant of Uncertain Significance.